The following is an entry in ClinVar:

ClinVar aggregate classification (germline): Uncertain significance. Review status: criteria provided, multiple submitters, no conflicts (2 of 4 stars). 2 submissions from 2 submitters: Uncertain significance (2). Last evaluated 2024-05-20.

Allele frequency attached by ClinVar (database versions not stated): ESP Exome Variant Server 0.00016; gnomAD 0.00019; TOPMed 0.00019; ExAC 0.00022.

Submissions (2):

Ambry Genetics
Classification: Uncertain significance. Last evaluated: 2024-05-20. Review status: criteria provided, single submitter. Criteria: Ambry Variant Classification Scheme 2023. Collection method: clinical testing. Allele origin: germline.

GeneDx
Classification: Uncertain significance. Last evaluated: 2022-01-14. Review status: criteria provided, single submitter. Criteria: GeneDx Variant Classification Process June 2021. Collection method: clinical testing. Allele origin: germline. Affected: yes.
Comment: In silico analysis supports that this missense variant does not alter protein structure/function; Has not been previously published as pathogenic or benign to our knowledge; Variants in candidate genes are classified as variants of uncertain significance in accordance with ACMG guidelines (Richards et al., 2015)

NM_012401.4(PLXNB2):c.3928C>A (p.Pro1310Thr)

Gene: PLXNB2 (plexin B2; minus strand). Cytogenetic location: 22q13.33.
Variant type: single nucleotide variant.
Coding change: c.3928C>A on transcript NM_012401.4 (MANE Select); coding-DNA position 3928, C replaced by A.
Protein change: p.Pro1310Thr; replaces proline 1310 with threonine.
Molecular consequence: missense variant.
Genome position (GRCh38, 1-based): chr22:50,280,809, G>T on the plus strand (C>A on the coding strand, the complement: PLXNB2 is on the minus strand). VCF-style: chr22-50280809-G-T. GRCh37 (hg19) VCF-style: chr22-50719238-G-T.
Other names: c.3928C>A, p.Pro1310Thr (NM_001376872.1, NM_001376873.1, NM_001376874.1 and 16 more transcripts); c.4165C>A, p.Pro1389Thr (NM_001376864.1); c.3997C>A, p.Pro1333Thr (NM_001376865.1); c.3904C>A, p.Pro1302Thr (NM_001376883.1); c.3835C>A, p.Pro1279Thr (NM_001376886.1); short protein forms P1279T, P1389T, P1302T, P1310T, P1333T.
Identifiers: ClinVar variation 3215654 (VCV003215654.3), dbSNP rs200080652, ClinGen allele CA10312105.